The following is an entry in ClinVar:

NM_001242882.2(NAXD):c.840-87G>A

Gene: NAXD (NAD(P)HX dehydratase; plus strand). Cytogenetic location: 13q34.
Variant type: single nucleotide variant.
Coding change: c.840-87G>A on transcript NM_001242882.2 (MANE Select); 87 bases into the intron before coding-DNA position 840, G replaced by A.
Molecular consequence: intron variant. On other transcripts: missense variant (1).
Genome position (GRCh38, 1-based): chr13:110,638,291, G>A. VCF-style: chr13-110638291-G-A. GRCh37 (hg19) VCF-style: chr13-111290638-G-A.
Other names: c.943G>A, p.Gly315Arg (NM_018210.4); c.564-87G>A (NM_001242883.2); c.894-87G>A (NM_001242881.2); short protein forms G315R.
Identifiers: ClinVar variation 2087647 (VCV002087647.4), dbSNP rs2501715251, ClinGen allele CA388736632.

ClinVar aggregate classification (germline): Uncertain significance (1 of 4 stars; one submission).

Allele frequency attached by ClinVar (database versions not stated): gnomAD exomes below 0.00001.
gnomAD v4.1: 1 of 1,605,204 alleles (0.000062%); highest among the groups gnomAD compares: South Asian, 0.0011%; no homozygotes.

Submission:

Labcorp Genetics (formerly Invitae), Labcorp
Classification: Uncertain significance. Last evaluated: 2022-01-18. Review status: criteria provided, single submitter. Criteria: Invitae Variant Classification Sherloc (09022015). Collection method: clinical testing. Allele origin: germline.
Comment: In summary, the available evidence is currently insufficient to determine the role of this variant in disease. Therefore, it has been classified as a Variant of Uncertain Significance. Algorithms developed to predict the effect of missense changes on protein structure and function output the following: SIFT: "Deleterious"; PolyPhen-2: "Benign"; Align-GVGD: "Class C0". The arginine amino acid residue is found in multiple mammalian species, which suggests that this missense change does not adversely affect protein function. This variant has not been reported in the literature in individuals affected with NAXD-related conditions. This variant is not present in population databases (gnomAD no frequency). This sequence change replaces glycine, which is neutral and non-polar, with arginine, which is basic and polar, at codon 315 of the NAXD protein (p.Gly315Arg).